The following is an entry in ClinVar:

ClinVar aggregate classification (germline): Uncertain significance (1 of 4 stars; one submission).

Submission:

Labcorp Genetics (formerly Invitae), Labcorp
Classification: Uncertain significance. Last evaluated: 2025-12-08. Review status: criteria provided, single submitter. Criteria: Invitae Variant Classification Sherloc (09022015). Collection method: clinical testing. Allele origin: germline.
Comment: This sequence change replaces glutamic acid, which is acidic and polar, with alanine, which is neutral and non-polar, at codon 205 of the DIABLO protein (p.Glu205Ala). This variant is not present in population databases (gnomAD no frequency). This variant has not been reported in the literature in individuals affected with DIABLO-related conditions. ClinVar contains an entry for this variant (Variation ID: 2017856). An algorithm developed to predict the effect of missense changes on protein structure and function (PolyPhen-2) suggests that this variant is likely to be disruptive. In summary, the available evidence is currently insufficient to determine the role of this variant in disease. Therefore, it has been classified as a Variant of Uncertain Significance.

NM_001371333.1(DIABLO):c.614A>C (p.Glu205Ala)

Genes: B3GNT4 (UDP-GlcNAc:betaGal beta-1,3-N-acetylglucosaminyltransferase 4; plus strand), DIABLO (diablo IAP-binding mitochondrial protein; minus strand). Cytogenetic location: 12q24.31.
Variant type: single nucleotide variant.
Coding change: c.614A>C on transcript NM_001371333.1 (MANE Select); coding-DNA position 614, A replaced by C.
Protein change: p.Glu205Ala; replaces glutamic acid 205 with alanine.
Molecular consequence: missense variant. On other transcripts: 3 prime UTR variant (2).
Genome position (GRCh38, 1-based): chr12:122,208,487, T>G on the plus strand (A>C on the coding strand, the complement: DIABLO is on the minus strand). VCF-style: chr12-122208487-T-G. GRCh37 (hg19) VCF-style: chr12-122693034-T-G.
Other names: c.323A>C, p.Glu108Ala (NM_001278302.1); c.395A>C, p.Glu132Ala (NM_001278303.1); c.455A>C, p.Glu152Ala (NM_001278304.2, NM_138930.3); c.482A>C, p.Glu161Ala (NM_001278342.1); c.614A>C, p.Glu205Ala (NM_019887.6); c.*1099T>G (NM_001330492.2, NM_030765.4); short protein forms E161A, E108A, E152A, E132A, E205A.
Identifiers: ClinVar variation 2017856 (VCV002017856.4), dbSNP rs2547123825, ClinGen allele CA387041155.
Genomic context (GRCh38, chr12:122,208,487, plus strand): 5'-TCCCCTTCCTCCTGTGTTTTCTGACGGAGCTCTTCTATCTGTGCTTCTGCCAGCTTGGTT[T>G]CTGCTTTCCGGGAGAGCTGGTGCACCTCTTCCACCTGCAGTTTCACCAGCTGAATGTGAT-3'
Protein context (NP_001358262.1, residues 195-215): EEVHQLSRKA[Glu205Ala]TKLAEAQIEE